The following is an entry in ClinVar:

NM_024426.6(WT1):c.328G>T (p.Val110Leu)

Genes: WT1 (WT1 transcription factor; minus strand), LOC107982234 (WT1/WT1-AS bi-directional promoter region; plus strand). Cytogenetic location: 11p13.
Variant type: single nucleotide variant.
Coding change: c.328G>T on transcript NM_024426.6 (MANE Select); coding-DNA position 328, G replaced by T.
Protein change: p.Val110Leu; replaces valine 110 with leucine.
Molecular consequence: missense variant. On other transcripts: non-coding transcript variant (2).
Genome position (GRCh38, 1-based): chr11:32,435,033, C>A on the plus strand (G>T on the coding strand, the complement: WT1 is on the minus strand). VCF-style: chr11-32435033-C-A. GRCh37 (hg19) VCF-style: chr11-32456579-C-A.
Other names: c.313G>T (NM_024426.4); c.109G>T, p.Val37Leu (NM_001429034.1, NM_001429031.1, NM_001429032.1 and 1 more transcripts); c.328G>T, p.Val110Leu (NM_024424.5, NM_001407044.1, NM_001407045.1 and 6 more transcripts); c.313G>T, p.Val105Leu (NM_024425.2); short protein forms V105L, V110L, V37L.
Identifiers: ClinVar variation 3071774 (VCV003071774.2), dbSNP rs2494483108, ClinGen allele CA379965916.

ClinVar aggregate classification (germline): Uncertain significance. Review status: criteria provided, multiple submitters, no conflicts (2 of 4 stars). 2 submissions from 2 submitters: Uncertain significance (2). Last evaluated 2025-08-22.

Conditions:
Wilms tumor 1 (WT1). Also called: Wilms tumor, somatic. Identifiers: Orphanet 654, MedGen CN033288, MONDO:0008679, OMIM 194070.
Inborn genetic diseases. Identifiers: MedGen C0950123, MeSH D030342.

Submissions (2):

Ambry Genetics
Classification: Uncertain significance for Inborn genetic diseases. Last evaluated: 2025-08-22. Review status: criteria provided, single submitter. Criteria: Ambry Variant Classification Scheme 2023. Collection method: clinical testing. Allele origin: germline.
Comment: The p.V105L variant (also known as c.313G>T), located in coding exon 1 of the WT1 gene, results from a G to T substitution at nucleotide position 313. The valine at codon 105 is replaced by leucine, an amino acid with highly similar properties. This amino acid position is conserved. In addition, this alteration is predicted to be tolerated by in silico analysis. Based on the available evidence, the clinical significance of this variant remains unclear.

All of Us Research Program, National Institutes of Health
Classification: Uncertain significance for Wilms tumor 1. Last evaluated: 2023-06-26. Review status: criteria provided, single submitter. Criteria: ACMG Guidelines, 2015. Collection method: clinical testing. Allele origin: germline. Inheritance: Autosomal dominant inheritance. Observed: 1 variant allele, 1 heterozygote.
Comment: This missense variant replaces valine with leucine at codon 105 of the WT1 protein. Computational prediction suggests that this variant may not impact protein structure and function (internally defined REVEL score threshold <= 0.5, PMID: 27666373). To our knowledge, functional studies have not been reported for this variant. This variant has not been reported in individuals affected with WT1-related disorders in the literature. This variant has not been identified in the general population by the Genome Aggregation Database (gnomAD). The available evidence is insufficient to determine the role of this variant in disease conclusively. Therefore, this variant is classified as a Variant of Uncertain Significance.

This study involves interpretation of variants in research participants for the purpose of population health screening. Participant phenotype was not available at the time of variant classification. Additional details can be found in publication PMID: 35346344, PMCID: PMC8962531